The following is an entry in ClinVar:

NM_145038.5(DRC1):c.352C>T (p.Gln118Ter)

Gene: DRC1 (dynein regulatory complex subunit 1; plus strand). Cytogenetic location: 2p23.3.
Variant type: single nucleotide variant.
Coding change: c.352C>T on transcript NM_145038.5 (MANE Select); coding-DNA position 352, C replaced by T.
Protein change: p.Gln118Ter; replaces glutamine 118 with a stop codon.
Molecular consequence: nonsense.
Genome position (GRCh38, 1-based): chr2:26,421,396, C>T. VCF-style: chr2-26421396-C-T. GRCh37 (hg19) VCF-style: chr2-26644264-C-T.
Other names: short protein forms Q118*.
Identifiers: ClinVar variation 55840 (VCV000055840.39), dbSNP rs142371860, ClinGen allele CA214697.

ClinVar aggregate classification (germline): Pathogenic/Likely pathogenic. Review status: criteria provided, multiple submitters, no conflicts (2 of 4 stars). 14 submissions from 14 submitters: Pathogenic (10); Likely pathogenic (1). 3 of the submissions do not count toward it. Last evaluated 2026-02-01.

Conditions:
DRC1-related disorder. Also called: DRC1-related condition.
DRC1-related disorders.
Primary ciliary dyskinesia. Also called: Ciliary dyskinesia. Identifiers: Orphanet 244, MedGen C0008780, MONDO:0016575, HP:0012265.
Primary ciliary dyskinesia 21. Also called: CILIARY DYSKINESIA, PRIMARY, 21, WITHOUT SITUS INVERSUS. Identifiers: Orphanet 244, MedGen C3809087, MONDO:0014123, OMIM 615294.

Allele frequency attached by ClinVar (database versions not stated): gnomAD exomes 0.00039 and 0.00064; ExAC 0.00040; ESP Exome Variant Server 0.00015; gnomAD 0.00029 and 0.00031; TOPMed 0.00031.
gnomAD v4.1: 962 of 1,612,348 alleles (0.06%); highest among the groups gnomAD compares: Non-Finnish European, 0.076%; 2 homozygotes.

Submissions (14):

CeGaT Center for Human Genetics Tuebingen
Classification: Pathogenic. Last evaluated: 2026-02-01. Review status: criteria provided, single submitter. Criteria: CeGaT Center For Human Genetics Tuebingen Variant Classification Criteria Version 2. Collection method: clinical testing. Allele origin: germline. Affected: yes. Observed: 3 variant alleles.
Comment: DRC1: PVS1, PM3, PM2:Supporting

Labcorp Genetics (formerly Invitae), Labcorp
Classification: Pathogenic for Primary ciliary dyskinesia. Last evaluated: 2026-01-22. Review status: criteria provided, single submitter. Criteria: Invitae Variant Classification Sherloc (09022015). Collection method: clinical testing. Allele origin: germline.
Comment: This sequence change creates a premature translational stop signal (p.Gln118*) in the DRC1 gene. It is expected to result in an absent or disrupted protein product. Loss-of-function variants in DRC1 are known to be pathogenic (PMID: 23354437, 31960620). This variant is present in population databases (rs142371860, gnomAD 0.07%), including at least one homozygous and/or hemizygous individual. This premature translational stop signal has been observed in individual(s) with primary ciliary dyskinesia (PMID: 23354437). It has also been observed to segregate with disease in related individuals. ClinVar contains an entry for this variant (Variation ID: 55840). For these reasons, this variant has been classified as Pathogenic.

Clinical Genetics Laboratory, Skane University Hospital Lund
Classification: Pathogenic for Primary ciliary dyskinesia 21. Last evaluated: 2025-12-01. Review status: criteria provided, single submitter. Criteria: ACMG Guidelines, 2015. Collection method: clinical testing. Allele origin: germline. Inheritance: Autosomal recessive inheritance. Affected: yes.
Comment: ACMG criteria used: PVS1, PM3_Strong, PM2_Supporting.

Dasa
Classification: Pathogenic. Last evaluated: 2025-08-14. Review status: criteria provided, single submitter. Criteria: DASA Assertion Criteria. Collection method: clinical testing. Allele origin: germline.
Comment: NM_145038.5(DRC1):c.352C>T (p.Gln118*) introduces a premature termination codon predicted to result in loss of normal protein function. Loss-of-function is an established mechanism of disease for this gene. Segregation evidence has been reported in affected families. This variant has been observed in affected individuals with related phenotype in a genotype context consistent with recessive disease (PMID: 23354437). Functional evidence supports a deleterious effect on the gene or gene product (PMID: 23354437). This variant has been reported in individuals with related phenotype (PMID: 23354437). The variant is present at low frequency in population datasets. Based on the available data, this variant is classified as pathogenic.

Greenwood Genetic Center Diagnostic Laboratories, Greenwood Genetic Center
Classification: Pathogenic for Primary ciliary dyskinesia 21. Last evaluated: 2025-03-26. Review status: criteria provided, single submitter. Criteria: ACMG Guidelines, 2015. Collection method: clinical testing. Allele origin: germline. Affected: yes.
Comment: PVS1, PS3_Moderate, PM3

Blueprint Genetics
Classification: Pathogenic for DRC1-related disorders. Last evaluated: 2024-08-30. Review status: criteria provided, single submitter. Criteria: ACMG Guidelines, 2015. Collection method: clinical testing. Allele origin: germline. Affected: yes. Observed: 5 variant alleles.

Department of Pathology and Laboratory Medicine, Sinai Health System
Classification: Pathogenic for Primary ciliary dyskinesia 21. Last evaluated: 2023-05-23. Review status: criteria provided, single submitter. Criteria: ACMG Guidelines, 2015. Collection method: research. Allele origin: germline.

GeneDx
Classification: Pathogenic. Last evaluated: 2022-06-02. Review status: criteria provided, single submitter. Criteria: GeneDx Variant Classification Process June 2021. Collection method: clinical testing. Allele origin: germline. Affected: yes.
Comment: Nonsense variant predicted to result in protein truncation or nonsense mediated decay in a gene for which loss-of-function is a known mechanism of disease; This variant is associated with the following publications: (PMID: 27996046, 23354437, 30487145, 12746204, 26582918, 34426522, 27535533)

Fulgent Genetics
Classification: Pathogenic for Primary ciliary dyskinesia 21. Last evaluated: 2018-10-31. Review status: criteria provided, single submitter. Criteria: ACMG Guidelines, 2015. Collection method: clinical testing. Allele origin: unknown.

Eurofins Ntd Llc (ga)
Classification: Likely pathogenic. Last evaluated: 2015-11-13. Review status: criteria provided, single submitter. Criteria: EGL Classification Definitions 2015. Collection method: clinical testing. Allele origin: germline. Observed: 1 variant allele, 1 heterozygote.

Laboratory of Cell Biology, Institute of Biomedical Sciences Abel Salazar University of Porto
Classification: Pathogenic for Primary ciliary dyskinesia 21; Primary ciliary dyskinesia. Review status: criteria provided, single submitter. Criteria: ACMG Guidelines, 2015. Collection method: clinical testing. Allele origin: biparental. Inheritance: Autosomal recessive inheritance. Affected: yes. Observed: 1 homozygote.
Comment: We analyzed the expression of DRC1 of a patient with this mutation and observed that mRNA was downregulated as well as its protein were also decreased.

PreventionGenetics, part of Exact Sciences
Classification: Likely pathogenic for DRC1-related condition. Last evaluated: 2024-07-01. Review status: no assertion criteria provided. Collection method: clinical testing. Allele origin: germline. Not counted in ClinVar's aggregate classification.
Comment: The DRC1 c.352C>T variant is predicted to result in premature protein termination (p.Gln118*). This variant has been reported in the homozygous state in three affected individuals from two families with primary ciliary dyskinesia, and segregated with the disease in these families (Supplementary Figure 3, Wirschell et al. 2013. PubMed ID: 23354437). This variant is reported in 0.067% of alleles in individuals of European (Non-Finnish) descent in gnomAD, including 1 homozygote. Nonsense variants in DRC1 are expected to be pathogenic. This variant is interpreted as likely pathogenic.

OMIM
Classification: Pathogenic for CILIARY DYSKINESIA, PRIMARY, 21, WITHOUT SITUS INVERSUS. Last evaluated: 2013-03-01. Review status: no assertion criteria provided. Collection method: literature only. Allele origin: germline. Not counted in ClinVar's aggregate classification.

Laboratory for Molecular Medicine, Mass General Brigham Personalized Medicine
Classification: Uncertain significance. Last evaluated: 2018-03-16. Review status: flagged submission. Criteria: LMM Criteria. Collection method: clinical testing. Allele origin: germline. Observed: 1 variant allele. Not counted in ClinVar's aggregate classification.
Comment: Variant classified as Uncertain Significance - Favor Pathogenic. The p.Gln118X ( NM145038.2 c.352C>T) variant in DRC1 has been previously reported in 2 homozygou s individuals with primary ciliary dyskinesia and segregated in 1 affected homoz ygous family member in 1 family (Wirschell 2013). Mutant studies and studies fro m patient cells with the p.Gln118X variant report an impact to protein function (Wirschell 2013). This variant has also been reported in ClinVar as likely patho genic (Variation ID#55840). It has been identified in 0.066% (83/126650) of Euro pean chromosomes by the Genome Aggregation Database (rs142371860). Although this variant has been seen in the general populati on, its frequency is low enough to be consistent with a recessive carrier freque ncy. This nonsense variant leads to a premature termination codon at position 11 8, which is predicted to lead to a truncated or absent protein. In summary, ther e is suspicion for a pathogenic role; however, the gene-disease association bet ween DRC1 is currently assessed at a moderate level.
ClinVar note: Reason: Outlier claim with insufficient supporting evidence

Literature cited by the submitters: PubMed 23354437 (cited by 5 submitters); PubMed 31960620 (cited by Labcorp Genetics (formerly Invitae), Labcorp); PubMed 12746204 (cited by OMIM).